The following is an entry in ClinVar:

NM_000548.5(TSC2):c.2837+4C>T

Gene: TSC2 (TSC complex subunit 2; plus strand). Cytogenetic location: 16p13.3.
Variant type: single nucleotide variant.
Coding change: c.2837+4C>T on transcript NM_000548.5 (MANE Select); 4 bases into the intron after coding-DNA position 2837, C replaced by T.
Molecular consequence: intron variant.
Genome position (GRCh38, 1-based): chr16:2,076,589, C>T. VCF-style: chr16-2076589-C-T. GRCh37 (hg19) VCF-style: chr16-2126590-C-T.
Other names: c.2837+4C>T (NM_000548.4, NM_001114382.3, NM_021055.3 and 4 more transcripts); c.2726+4C>T (NM_001318827.2); c.2237+4C>T (NM_001318831.2); c.2690+4C>T (NM_001318829.2); c.2870+4C>T (NM_001318832.2).
Identifiers: ClinVar variation 406125 (VCV000406125.21), dbSNP rs544409858, ClinGen allele CA042228.

ClinVar aggregate classification (germline): Conflicting classifications of pathogenicity. Review status: criteria provided, conflicting classifications (1 of 4 stars). 7 submissions from 7 submitters: Uncertain significance (3); Benign (2); Likely benign (2). Last evaluated 2026-03-17.

Conditions:
TSC2-related disorder. Also called: TSC2-related condition; TSC2-Related Disorders.
Hereditary cancer-predisposing syndrome. Also called: Neoplastic Syndromes, Hereditary; Tumor predisposition; Hereditary Cancer Syndrome; Hereditary neoplastic syndrome. Identifiers: Orphanet 140162, MedGen C0027672, MeSH D009386, MONDO:0015356.
Tuberous sclerosis syndrome (TSC). Also called: Tuberous Sclerosis Complex; Tuberous sclerosis. Identifiers: Orphanet 805, MedGen C0041341, MONDO:0001734.
Tuberous sclerosis 2 (TSC2). Identifiers: Orphanet 805, MedGen C1860707, MONDO:0013199, OMIM 613254.

Allele frequency attached by ClinVar (database versions not stated): gnomAD 0.00001; gnomAD exomes 0.00001; TOPMed 0.00001; ExAC 0.00002; 1000 Genomes Project 30x 0.00016; 1000 Genomes Project 0.00020.
gnomAD v4.1: 17 of 1,612,918 alleles (0.0011%); highest among the groups gnomAD compares: African/African-American, 0.0013%; no homozygotes.

Submissions (7):

PreventionGenetics, part of Exact Sciences
Classification: Uncertain significance for TSC2-related condition. Last evaluated: 2026-03-17. Review status: criteria provided, single submitter. Criteria: ACMG Guidelines, 2015. Collection method: clinical testing. Allele origin: germline.
Comment: The TSC2 c.2837+4C>T variant is predicted to interfere with splicing. which is not predicted to interfere with splicing based on available splicing prediction programs (SpliceAI, Jaganathan et al. 2019. PubMed ID: 30661751); however, the +4 position is part of the minimal donor splice region which is clinically relevant (Lord et al. 2019. PubMed ID: 30587507; Walker et al. 2023. PubMed ID: 37352859). To our knowledge, this variant has not been reported in the literature. This variant is reported in 0.0040% of alleles in individuals of African descent in gnomAD. At this time, the clinical significance of this variant is uncertain due to the absence of conclusive functional and genetic evidence.

Labcorp Genetics (formerly Invitae), Labcorp
Classification: Benign for Tuberous sclerosis 2. Last evaluated: 2025-12-09. Review status: criteria provided, single submitter. Criteria: Invitae Variant Classification Sherloc (09022015). Collection method: clinical testing. Allele origin: germline.

Ambry Genetics
Classification: Benign for Hereditary cancer-predisposing syndrome. Last evaluated: 2025-11-03. Review status: criteria provided, single submitter. Criteria: Ambry Variant Classification Scheme 2023. Collection method: clinical testing. Allele origin: germline.

Color Diagnostics, LLC DBA Color Health
Classification: Uncertain significance for Tuberous sclerosis syndrome. Last evaluated: 2023-12-06. Review status: criteria provided, single submitter. Criteria: ACMG Guidelines, 2015. Collection method: clinical testing. Allele origin: germline.
Comment: This variant causes a C to T nucleotide substitution at the +4 position of intron 25 of the TSC2 gene. Splice site prediction tools suggest that this variant may not impact RNA splicing. To our knowledge, functional studies have not been reported for this variant. This variant has not been reported in individuals affected with TSC2-related disorders in the literature. This variant has been identified in 3/281336 chromosomes in the general population by the Genome Aggregation Database (gnomAD). The available evidence is insufficient to determine the role of this variant in disease conclusively. Therefore, this variant is classified as a Variant of Uncertain Significance.

Genome-Nilou Lab
Classification: Likely benign for Tuberous sclerosis 2. Last evaluated: 2021-11-07. Review status: criteria provided, single submitter. Criteria: ACMG Guidelines, 2015. Collection method: clinical testing. Allele origin: germline. Affected: no.

Sema4
Classification: Uncertain significance for Hereditary cancer-predisposing syndrome. Last evaluated: 2021-05-24. Review status: criteria provided, single submitter. Criteria: Sema4 Curation Guidelines. Collection method: curation. Allele origin: germline.
Comment: The TSC2 c.2837+4C>T variant has not been reported in the literature to our knowledge. It was observed in 3/281336 chromosomes in the large and broad cohorts of the Genome Aggregation Database (PMID: 32461654). The variant has been reported in ClinVar (Variation ID 406125). In silico tools suggest that the variant does not have an impact on splicing, though these predictions have not been confirmed by functional studies. The evidence is insufficient to meet ACMG/AMP criteria for classifying the variant as benign or pathogenic. Thus, the clinical significance of this variant is currently uncertain.

GeneDx
Classification: Likely benign. Last evaluated: 2018-06-07. Review status: criteria provided, single submitter. Criteria: GeneDx Variant Classification (06012015). Collection method: clinical testing. Allele origin: germline. Affected: yes.
Comment: This variant is considered likely benign or benign based on one or more of the following criteria: it is a conservative change, it occurs at a poorly conserved position in the protein, it is predicted to be benign by multiple in silico algorithms, and/or has population frequency not consistent with disease.